The following is an entry in ClinVar:

NM_014946.4(SPAST):c.250C>T (p.Arg84Cys)

Gene: SPAST (spastin; plus strand). Cytogenetic location: 2p22.3.
Variant type: single nucleotide variant.
Coding change: c.250C>T on transcript NM_014946.4 (MANE Select); coding-DNA position 250, C replaced by T.
Protein change: p.Arg84Cys; replaces arginine 84 with cysteine.
Molecular consequence: missense variant.
Genome position (GRCh38, 1-based): chr2:32,064,081, C>T. VCF-style: chr2-32064081-C-T. GRCh37 (hg19) VCF-style: chr2-32289150-C-T.
Other names: c.250C>T, p.Arg84Cys (NM_001363823.2, NM_001363875.2, NM_001377959.1 and 1 more transcripts); short protein forms R84C.
Identifiers: ClinVar variation 858222 (VCV000858222.8), dbSNP rs776114823, ClinGen allele CA1600529.

ClinVar aggregate classification (germline): Uncertain significance. Review status: criteria provided, multiple submitters, no conflicts (2 of 4 stars). 2 submissions from 2 submitters: Uncertain significance (2). Last evaluated 2023-11-06.

Conditions:
Hereditary spastic paraplegia 4. Also called: Spastic Paraplegia 4; Spastic paraplegia 4, autosomal dominant; Familial spastic paraplegia autosomal dominant 2. Identifiers: Orphanet 100985, MedGen C1866855, MONDO:0008438, OMIM 182601.

Allele frequency attached by ClinVar (database versions not stated): TOPMed 0.00005; gnomAD 0.00006.
gnomAD v4.1: 198 of 1,612,120 alleles (0.012%); highest among the groups gnomAD compares: Non-Finnish European, 0.016%; no homozygotes.

Submissions (2):

Labcorp Genetics (formerly Invitae), Labcorp
Classification: Uncertain significance for Hereditary spastic paraplegia 4. Last evaluated: 2023-11-06. Review status: criteria provided, single submitter. Criteria: Invitae Variant Classification Sherloc (09022015). Collection method: clinical testing. Allele origin: germline.
Comment: This sequence change replaces arginine, which is basic and polar, with cysteine, which is neutral and slightly polar, at codon 84 of the SPAST protein (p.Arg84Cys). This variant is present in population databases (rs776114823, gnomAD 0.009%). This missense change has been observed in individual(s) with clinical features of hereditary spastic paraplegia (Invitae). ClinVar contains an entry for this variant (Variation ID: 858222). Advanced modeling of protein sequence and biophysical properties (such as structural, functional, and spatial information, amino acid conservation, physicochemical variation, residue mobility, and thermodynamic stability) has been performed at Invitae for this missense variant, however the output from this modeling did not meet the statistical confidence thresholds required to predict the impact of this variant on SPAST protein function. In summary, the available evidence is currently insufficient to determine the role of this variant in disease. Therefore, it has been classified as a Variant of Uncertain Significance.

Victorian Clinical Genetics Services, Murdoch Childrens Research Institute
Classification: Uncertain significance for Hereditary spastic paraplegia 4. Last evaluated: 2019-08-28. Review status: criteria provided, single submitter. Criteria: ACMG Guidelines, 2015. Collection method: clinical testing. Allele origin: germline. Inheritance: Autosomal dominant inheritance. Affected: yes.
Comment: A heterozygous missense variant was identified, NM_014946.3(SPAST):c.250C>T in exon 1 of 17 of the SPAST gene. This substitution is predicted to create a major amino acid change from an arginine to a cysteine at position 84 of the protein, NP_055761.2(SPAST):p.(Arg84Cys). The arginine at this position has high conservation (100 vertebrates, UCSC), and is located within a region of interest for interaction with SSNA1, RTN1 and microtubules, and midbody localisation. In silico software predicts this variant to be disease causing (Polyphen, SIFT, CADD, Mutation Taster). The variant is present in the gnomAD population database at a frequency of 0.0029 % (8 heterozygotes, 0 homozygotes). Two alternative residue changes at the same location, p.(Arg84Gly) and p.(Arg84Pro) have been reported in the gnomAD database at a frequency of 0.00041% each. The variant has not been previously reported in clinical cases. Based on information available at the time of curation, this variant has been classified as a VARIANT of UNCERTAIN SIGNIFICANCE (VUS).